The following is an entry in ClinVar:

NM_001278116.2(L1CAM):c.3721A>G (p.Asn1241Asp)

Gene: L1CAM (L1 cell adhesion molecule; minus strand). Cytogenetic location: Xq28.
Variant type: single nucleotide variant.
Coding change: c.3721A>G on transcript NM_001278116.2 (MANE Select); coding-DNA position 3721, A replaced by G.
Protein change: p.Asn1241Asp; replaces asparagine 1241 with aspartic acid.
Molecular consequence: missense variant.
Genome position (GRCh38, 1-based): chrX:153,862,716, T>C on the plus strand (A>G on the coding strand, the complement: L1CAM is on the minus strand). VCF-style: chrX-153862716-T-C. GRCh37 (hg19) VCF-style: chrX-153128171-T-C.
Other names: c.3721A>G, p.Asn1241Asp (NM_000425.5); c.3694A>G, p.Asn1232Asp (NM_001143963.2); c.3709A>G, p.Asn1237Asp (NM_024003.3); short protein forms N1232D, N1237D, N1241D.
Identifiers: ClinVar variation 2135330 (VCV002135330.4), dbSNP rs2064673837, ClinGen allele CA415106019.
Genomic context (GRCh38, chrX:153,862,716, plus strand): 5'-GACTCCACTATTCTAGGGCCACGGCAGGGTTGATGGGGGAAGTGGCCCCTGAGCTGTCAT[T>C]GCCCCCTGCCGCCTCCTTCTCCTTCTTGCCACTGTACTGGCCAATGAACGAACCATCCTC-3'
Protein context (NP_001265045.1, residues 1231-1251): GKKEKEAAGG[Asn1241Asp]DSSGATSPIN

ClinVar aggregate classification (germline): Uncertain significance (1 of 4 stars; one submission).

Conditions:
Spastic paraplegia. Identifiers: MedGen C0037772, HP:0001258.

Submission:

Labcorp Genetics (formerly Invitae), Labcorp
Classification: Uncertain significance for Spastic paraplegia. Last evaluated: 2022-05-08. Review status: criteria provided, single submitter. Criteria: Invitae Variant Classification Sherloc (09022015). Collection method: clinical testing. Allele origin: germline.
Comment: In summary, the available evidence is currently insufficient to determine the role of this variant in disease. Therefore, it has been classified as a Variant of Uncertain Significance. Advanced modeling of protein sequence and biophysical properties (such as structural, functional, and spatial information, amino acid conservation, physicochemical variation, residue mobility, and thermodynamic stability) performed at Invitae indicates that this missense variant is not expected to disrupt L1CAM protein function. This variant has not been reported in the literature in individuals affected with L1CAM-related conditions. This variant is not present in population databases (gnomAD no frequency). This sequence change replaces asparagine, which is neutral and polar, with aspartic acid, which is acidic and polar, at codon 1241 of the L1CAM protein (p.Asn1241Asp).